The following is an entry in ClinVar:

ClinVar aggregate classification (germline): Pathogenic/Likely pathogenic. Review status: criteria provided, multiple submitters, no conflicts (2 of 4 stars). 4 submissions from 4 submitters: Pathogenic (1); Likely pathogenic (3). Last evaluated 2025-09-16.

Conditions:
PRPF31-related disorder. Also called: PRPF31-related condition.
Retinitis pigmentosa 11 (RP11). Identifiers: Orphanet 791, MedGen C1838601, MONDO:0010828, OMIM 600138.

Submissions (4):

Labcorp Genetics (formerly Invitae), Labcorp
Classification: Pathogenic. Last evaluated: 2025-09-16. Review status: criteria provided, single submitter. Criteria: Invitae Variant Classification Sherloc (09022015). Collection method: clinical testing. Allele origin: germline.
Comment: This sequence change replaces glycine, which is neutral and non-polar, with arginine, which is basic and polar, at codon 253 of the PRPF31 protein (p.Gly253Arg). This variant is not present in population databases (gnomAD no frequency). This missense change has been observed in individual(s) with clinical features of retinitis pigmentosa (internal data). In at least one individual the variant was observed to be de novo. ClinVar contains an entry for this variant (Variation ID: 931178). An algorithm developed to predict the effect of missense changes on protein structure and function (PolyPhen-2) suggests that this variant is likely to be disruptive. For these reasons, this variant has been classified as Pathogenic.

3billion
Classification: Likely pathogenic for Retinitis pigmentosa 11. Last evaluated: 2023-09-14. Review status: criteria provided, single submitter. Criteria: ACMG Guidelines, 2015. Collection method: clinical testing. Allele origin: germline. Affected: yes.
Comment: The variant is not observed in the gnomAD v2.1.1 dataset. Predicted Consequence/Location: Protein truncation variants are a common disease-causing mechanism. In silico tool predictions suggest damaging effect of the variant on gene or gene product [REVEL: 0.96 (>=0.6, sensitivity 0.68 and specificity 0.92); 3Cnet: 0.91 (>=0.6, sensitivity 0.72 and precision 0.9)]. Same nucleotide change resulting in same amino acid change has been previously reported as pathogenic/likely pathogenic with strong evidence (ClinVar ID: VCV000931178 /PMID: 33749171). Therefore, this variant is classified as Likely pathogenic according to the recommendation of ACMG/AMP guideline.

Blueprint Genetics
Classification: Likely pathogenic for PRPF31-related disorders. Last evaluated: 2023-02-13. Review status: criteria provided, single submitter. Criteria: ACMG Guidelines, 2015. Collection method: clinical testing. Allele origin: germline. Affected: yes. Observed: 1 variant allele.

Centre for Mendelian Genomics, University Medical Centre Ljubljana
Classification: Likely pathogenic for Retinitis pigmentosa 11. Last evaluated: 2019-11-12. Review status: criteria provided, single submitter. Criteria: ACMG Guidelines, 2015. Collection method: clinical testing. Allele origin: unknown. Affected: yes.
Comment: This variant was classified as: Likely pathogenic. The following ACMG criteria were applied in classifying this variant: PM1,PM2,PP2,PP3.

Literature cited by the submitters: PubMed 33749171 (cited by 3billion).

NM_015629.4(PRPF31):c.757G>A (p.Gly253Arg)

Gene: PRPF31 (pre-mRNA processing factor 31; plus strand). Cytogenetic location: 19q13.42.
Variant type: single nucleotide variant.
Coding change: c.757G>A on transcript NM_015629.4 (MANE Select); coding-DNA position 757, G replaced by A.
Protein change: p.Gly253Arg; replaces glycine 253 with arginine.
Molecular consequence: missense variant.
Genome position (GRCh38, 1-based): chr19:54,124,558, G>A. VCF-style: chr19-54124558-G-A. GRCh37 (hg19) VCF-style: chr19-54627937-G-A.
Other names: short protein forms G253R.
Identifiers: ClinVar variation 931178 (VCV000931178.11), dbSNP rs2073873973, ClinGen allele CA407751183.
Genomic context (GRCh38, chr19:54,124,558, plus strand): 5'-GGTGTGGCCGGCGGCCTGACCAACCTCTCCAAGATGCCCGCCTGCAACATCATGCTGCTC[G>A]GGGCCCAGCGCAAGACGCTGTCGGGCTTCTCGTCTACCTCAGTGCTGCCCCACACCGGCT-3'
Protein context (NP_056444.3, residues 243-263): KMPACNIMLL[Gly253Arg]AQRKTLSGFS